The following is an entry in ClinVar:

ClinVar aggregate classification (germline): Uncertain significance (1 of 4 stars; one submission).

Conditions:
Cardiovascular phenotype. Identifiers: MedGen CN230736.

Submission:

Ambry Genetics
Classification: Uncertain significance for Cardiovascular phenotype. Last evaluated: 2023-08-11. Review status: criteria provided, single submitter. Criteria: Ambry Variant Classification Scheme 2023. Collection method: clinical testing. Allele origin: germline.
Comment: The p.R1562K variant (also known as c.4685G>A), located in coding exon 17 of the AKAP9 gene, results from a G to A substitution at nucleotide position 4685. The arginine at codon 1562 is replaced by lysine, an amino acid with highly similar properties. This amino acid position is conserved. In addition, this alteration is predicted to be tolerated by in silico analysis. Since supporting evidence is limited at this time, the clinical significance of this alteration remains unclear.

NM_005751.5(AKAP9):c.4685G>A (p.Arg1562Lys)

Gene: AKAP9 (A-kinase anchoring protein 9; plus strand). Cytogenetic location: 7q21.2.
Variant type: single nucleotide variant.
Coding change: c.4685G>A on transcript NM_005751.5 (MANE Select); coding-DNA position 4685, G replaced by A.
Protein change: p.Arg1562Lys; replaces arginine 1562 with lysine.
Molecular consequence: missense variant.
Genome position (GRCh38, 1-based): chr7:92,038,765, G>A. VCF-style: chr7-92038765-G-A. GRCh37 (hg19) VCF-style: chr7-91668079-G-A.
Other names: c.4685G>A, p.Arg1562Lys (NM_147185.3); short protein forms R1562K.
Identifiers: ClinVar variation 2626294 (VCV002626294.2), dbSNP rs2484808770, ClinGen allele CA368129324.